The following is an entry in ClinVar:

ClinVar aggregate classification (germline): Uncertain significance (1 of 4 stars; one submission).

Submission:

Ambry Genetics
Classification: Uncertain significance. Last evaluated: 2024-12-13. Review status: criteria provided, single submitter. Criteria: Ambry Variant Classification Scheme 2023. Collection method: clinical testing. Allele origin: germline.
Comment: The p.A1455T variant (also known as c.4363G>A), located in coding exon 14 of the CDK12 gene, results from a G to A substitution at nucleotide position 4363. The alanine at codon 1455 is replaced by threonine, an amino acid with similar properties. This amino acid position is conserved. In addition, this alteration is predicted to be tolerated by in silico analysis. Based on the available evidence, the clinical significance of this variant remains unclear.

NM_016507.4(CDK12):c.4363G>A (p.Ala1455Thr)

Gene: CDK12 (cyclin dependent kinase 12; plus strand). Cytogenetic location: 17q12.
Variant type: single nucleotide variant.
Coding change: c.4363G>A on transcript NM_016507.4 (MANE Select); coding-DNA position 4363, G replaced by A.
Protein change: p.Ala1455Thr; replaces alanine 1455 with threonine.
Molecular consequence: missense variant.
Genome position (GRCh38, 1-based): chr17:39,531,206, G>A. VCF-style: chr17-39531206-G-A. GRCh37 (hg19) VCF-style: chr17-37687459-G-A.
Other names: c.4336G>A, p.Ala1446Thr (NM_015083.4); short protein forms A1446T, A1455T.
Identifiers: ClinVar variation 3830329 (VCV003830329.1).
Genomic context (GRCh38, chr17:39,531,206, plus strand): 5'-ACCAAATTGCAAAACTATGGGGAGCTGGGGCCAGGAACCACTGGGGCCAGCAGCTCAGGA[G>A]CAGGCCTTCACTGGGGGGGCCCAACTCAGTCTTCTGCTTATGGAAAACTCTATCGGGGGC-3'
Protein context (NP_057591.2, residues 1445-1465): PGTTGASSSG[Ala1455Thr]GLHWGGPTQS